The following is an entry in ClinVar:

ClinVar aggregate classification (germline): Likely benign (1 of 4 stars; one submission).

Allele frequency attached by ClinVar (database versions not stated): TOPMed 0.00082; gnomAD 0.00084; ExAC 0.00094; 1000 Genomes Project 0.00100; 1000 Genomes Project 30x 0.00109; ESP Exome Variant Server 0.00169.
gnomAD v4.1: 2,040 of 1,614,016 alleles (0.13%); highest among the groups gnomAD compares: Non-Finnish European, 0.15%; 1 homozygote.

Submission:

CeGaT Center for Human Genetics Tuebingen
Classification: Likely benign. Last evaluated: 2022-05-01. Review status: criteria provided, single submitter. Criteria: CeGaT Center For Human Genetics Tuebingen Variant Classification Criteria Version 2. Collection method: clinical testing. Allele origin: germline. Affected: yes. Observed: 1 variant allele.
Comment: ARHGAP10: BP4

NM_024605.4(ARHGAP10):c.251-3C>T

Gene: ARHGAP10 (Rho GTPase activating protein 10; plus strand). Cytogenetic location: 4q31.23.
Variant type: single nucleotide variant.
Coding change: c.251-3C>T on transcript NM_024605.4 (MANE Select); 3 bases into the intron before coding-DNA position 251, C replaced by T.
Molecular consequence: intron variant.
Genome position (GRCh38, 1-based): chr4:147,822,893, C>T. VCF-style: chr4-147822893-C-T. GRCh37 (hg19) VCF-style: chr4-148744044-C-T.
Identifiers: ClinVar variation 2655115 (VCV002655115.24), dbSNP rs185914335, ClinGen allele CA3099082.